The following is an entry in ClinVar:

ClinVar aggregate classification (germline): Pathogenic. Review status: criteria provided, multiple submitters, no conflicts (2 of 4 stars). 2 submissions from 2 submitters: Pathogenic (2). Last evaluated 2024-10-24.

Conditions:
Sotos syndrome (SOTOS). Also called: Sotos' syndrome; CHROMOSOME 5q35 DELETION SYNDROME; SOTOS SYNDROME 1; Distinctive facial appearance, overgrowth in childhood, and learning disabilities or delayed development; CEREBRAL GIGANTISM. Identifiers: Orphanet 821, MedGen C0175695, MONDO:0019349, OMIM 117550.

Submissions (2):

Labcorp Genetics (formerly Invitae), Labcorp
Classification: Pathogenic. Last evaluated: 2024-10-24. Review status: criteria provided, single submitter. Criteria: Invitae Variant Classification Sherloc (09022015). Collection method: clinical testing. Allele origin: germline.
Comment: This sequence change creates a premature translational stop signal (p.Val2069Alafs*14) in the NSD1 gene. It is expected to result in an absent or disrupted protein product. Loss-of-function variants in NSD1 are known to be pathogenic (PMID: 12464997, 14571271, 15942875, 16247291). This variant is not present in population databases (gnomAD no frequency). This variant has not been reported in the literature in individuals affected with NSD1-related conditions. ClinVar contains an entry for this variant (Variation ID: 983008). For these reasons, this variant has been classified as Pathogenic.

Institute of Human Genetics, University of Leipzig Medical Center
Classification: Pathogenic for Sotos syndrome. Last evaluated: 2019-01-01. Review status: criteria provided, single submitter. Criteria: ACMG Guidelines, 2015. Collection method: clinical testing. Allele origin: unknown. Affected: yes.

Literature cited by the submitters: PubMed 12464997 (cited by Labcorp Genetics (formerly Invitae), Labcorp); PubMed 14571271 (cited by Labcorp Genetics (formerly Invitae), Labcorp); PubMed 15942875 (cited by Labcorp Genetics (formerly Invitae), Labcorp); PubMed 16247291 (cited by Labcorp Genetics (formerly Invitae), Labcorp).

NM_022455.5(NSD1):c.6206_6209del (p.Val2069fs)

Gene: NSD1 (nuclear receptor binding SET domain protein 1; plus strand). Cytogenetic location: 5q35.3.
Variant type: Deletion.
Coding change: c.6206_6209del on transcript NM_022455.5 (MANE Select); coding-DNA positions 6206 to 6209, 4 bases deleted (TTTG; older notation c.6206_6209delTTTG).
Protein change: p.Val2069fs; shifts the reading frame from valine 2069.
Molecular consequence: frameshift variant.
Genome position (GRCh38, 1-based): chr5:177,288,873-177,288,876, TTTG deleted; deleting any 4 consecutive bases within chr5:177,288,871-177,288,876 gives the same sequence; the c. name uses the placement nearest the transcript's 3' end. VCF-style (leftmost placement, unchanged base first): chr5-177288870-CTGTT-C. GRCh37 (hg19) VCF-style: chr5-176715871-CTGTT-C.
Other names: c.5333_5336delTTTG, p.Val1778Alafs (NM_001365684.2, NM_001409308.1, NM_172349.5); c.6206_6209delTTTG, p.Val2069Alafs (NM_001409301.1, NM_001409302.1, NM_001409303.1 and 1 more transcripts); c.5786_5789delTTTG, p.Val1929Alafs (NM_001409304.1); c.5453_5456delTTTG, p.Val1818Alafs (NM_001409305.1); c.5444_5447delTTTG, p.Val1815Alafs (NM_001409306.1, NM_001409307.1); short protein forms V1800fs, V2069fs.
Identifiers: ClinVar variation 983008 (VCV000983008.7), dbSNP rs1759550773, ClinGen allele CA1139659262.
Genomic context (GRCh38, chr5:177,288,870, plus strand): 5'-CTTATGCAGGCACTGAACTTACCTTCAACTACAACCTAGAATGTCTTGGGAATGGAAAGA[CTGTT>C]TGCAAATGTGGAGCCCCGAACTGCAGTGGCTTCTTGGGTGTAAGGCCAAAGGTACCACCC-3'